The following is an entry in ClinVar:

NM_005045.4(RELN):c.6736G>T (p.Val2246Leu)

Gene: RELN (reelin; minus strand). Cytogenetic location: 7q22.1.
Variant type: single nucleotide variant.
Coding change: c.6736G>T on transcript NM_005045.4 (MANE Select); coding-DNA position 6736, G replaced by T.
Protein change: p.Val2246Leu; replaces valine 2246 with leucine.
Molecular consequence: missense variant.
Genome position (GRCh38, 1-based): chr7:103,540,391, C>A on the plus strand (G>T on the coding strand, the complement: RELN is on the minus strand). VCF-style: chr7-103540391-C-A. GRCh37 (hg19) VCF-style: chr7-103180838-C-A.
Other names: c.6736G>T, p.Val2246Leu (NM_173054.3); short protein forms V2246L.
Identifiers: ClinVar variation 2941348 (VCV002941348.3), dbSNP rs201561165, ClinGen allele CA368770065.

ClinVar aggregate classification (germline): Uncertain significance (1 of 4 stars; one submission).

Conditions:
Norman-Roberts syndrome (LIS2). Also called: Lissencephaly 2 (Norman-Roberts type). Identifiers: Orphanet 89844, MedGen C0796089, MONDO:0009760, OMIM 257320.
Familial temporal lobe epilepsy 7. Identifiers: Orphanet 101046, MedGen C4225327, MONDO:0014639, OMIM 616436.

Submission:

Labcorp Genetics (formerly Invitae), Labcorp
Classification: Uncertain significance for Familial temporal lobe epilepsy 7; Norman-Roberts syndrome. Last evaluated: 2022-11-06. Review status: criteria provided, single submitter. Criteria: Invitae Variant Classification Sherloc (09022015). Collection method: clinical testing. Allele origin: germline.
Comment: In summary, the available evidence is currently insufficient to determine the role of this variant in disease. Therefore, it has been classified as a Variant of Uncertain Significance. Algorithms developed to predict the effect of sequence changes on RNA splicing suggest that this variant may create or strengthen a splice site. Advanced modeling of protein sequence and biophysical properties (such as structural, functional, and spatial information, amino acid conservation, physicochemical variation, residue mobility, and thermodynamic stability) performed at Invitae indicates that this missense variant is not expected to disrupt RELN protein function. This variant has not been reported in the literature in individuals affected with RELN-related conditions. This variant is not present in population databases (gnomAD no frequency). This sequence change replaces valine, which is neutral and non-polar, with leucine, which is neutral and non-polar, at codon 2246 of the RELN protein (p.Val2246Leu).